The following is an entry in ClinVar:

NM_020919.4(ALS2):c.2712G>A (p.Thr904=)

Gene: ALS2 (alsin Rho guanine nucleotide exchange factor ALS2; minus strand). Cytogenetic location: 2q33.1.
Variant type: single nucleotide variant.
Coding change: c.2712G>A on transcript NM_020919.4 (MANE Select); coding-DNA position 2712, G replaced by A.
Protein change: p.Thr904=; no amino-acid change (threonine 904 retained).
Molecular consequence: synonymous variant.
Genome position (GRCh38, 1-based): chr2:201,729,052, C>T on the plus strand (G>A on the coding strand, the complement: ALS2 is on the minus strand). VCF-style: chr2-201729052-C-T. GRCh37 (hg19) VCF-style: chr2-202593775-C-T.
Identifiers: ClinVar variation 333594 (VCV000333594.21), dbSNP rs201200488, ClinGen allele CA2058110.

ClinVar aggregate classification (germline): Uncertain significance. Review status: criteria provided, multiple submitters, no conflicts (2 of 4 stars). 8 submissions from 7 submitters: Uncertain significance (6). 2 of the submissions do not count toward it. Last evaluated 2026-06-03.

Conditions:
ALS2-related motor neuron disease. Identifiers: MedGen CN323278, MONDO:0100227.
ALS2-related disorder. Also called: ALS2-related condition; ALS2-related disorders; ALS2-Related Spectrum Disorders. Identifiers: MedGen CN169291.
Hereditary spastic paraplegia. Also called: Familial spastic paraparesis. Identifiers: Orphanet 685, MedGen C0037773, MONDO:0019064. Disease mechanism: loss of function.
Amyotrophic lateral sclerosis type 2, juvenile. Also called: ALS, JUVENILE; Amyotrophic lateral sclerosis type 2. Identifiers: Orphanet 300605, MedGen C1859807, MONDO:0008780, OMIM 205100.
Infantile-onset ascending hereditary spastic paralysis (IAHSP). Also called: Infantile-Onset Ascending Hereditary Spastic Paralysis (IAHSP); Autosomal Recessive Juvenile Amyotrophic Lateral Sclerosis. Identifiers: Orphanet 293168, MedGen C2931441, MONDO:0011797, OMIM 607225. Disease mechanism: loss of function.

Allele frequency attached by ClinVar (database versions not stated): gnomAD 0.00006; ESP Exome Variant Server 0.00008; TOPMed 0.00014; 1000 Genomes Project 30x 0.00016; 1000 Genomes Project 0.00020; gnomAD exomes 0.00022; ExAC 0.00023.
gnomAD v4.1: 319 of 1,614,000 alleles (0.02%); highest among the groups gnomAD compares: South Asian, 0.055%; no homozygotes.

Submissions (10):

Women's Health and Genetics/Laboratory Corporation of America, LabCorp
Classification: Uncertain significance. Last evaluated: 2026-06-03. Review status: criteria provided, single submitter. Criteria: LabCorp Variant Classification Summary - May 2015. Collection method: clinical testing. Allele origin: germline.
Comment: Variant summary: ALS2 c.2712G>A (p.Thr904Thr) alters a conserved nucleotide located close to a canonical splice site and therefore could affect mRNA splicing, leading to a significantly altered protein sequence. Several computational tools predict a significant impact on normal splicing: Five predict the variant weakens the canonical 5' donor site. However, these predictions have yet to be confirmed by functional studies. The variant allele was found at a frequency of 0.00022 in 249510 control chromosomes. This frequency is not significantly higher than estimated for disease-causing variants in ALS2, allowing no conclusion about variant significance. To our knowledge, no occurrence of c.2712G>A in individuals affected with ALS2-related conditions and no experimental evidence demonstrating its impact on protein function have been reported. ClinVar contains an entry for this variant (Variation ID: 333594). Based on the evidence outlined above, the variant was classified as uncertain significance.

Labcorp Genetics (formerly Invitae), Labcorp
Classification: Uncertain significance for Infantile-onset ascending hereditary spastic paralysis. Last evaluated: 2025-11-25. Review status: criteria provided, single submitter. Criteria: Invitae Variant Classification Sherloc (09022015). Collection method: clinical testing. Allele origin: germline.
Comment: This sequence change affects codon 904 of the ALS2 mRNA. It is a 'silent' change, meaning that it does not change the encoded amino acid sequence of the ALS2 protein. This variant also falls at the last nucleotide of exon 14, which is part of the consensus splice site for this exon. This variant is present in population databases (rs201200488, gnomAD 0.04%). This variant has not been reported in the literature in individuals affected with ALS2-related conditions. ClinVar contains an entry for this variant (Variation ID: 333594). Variants that disrupt the consensus splice site are a relatively common cause of aberrant splicing (PMID: 17576681, 9536098). Algorithms developed to predict the effect of sequence changes on RNA splicing suggest that this variant is not likely to affect RNA splicing. In summary, the available evidence is currently insufficient to determine the role of this variant in disease. Therefore, it has been classified as a Variant of Uncertain Significance.

Genome Diagnostics Laboratory, The Hospital for Sick Children
Classification: Uncertain significance for Hereditary spastic paraplegia. Last evaluated: 2021-11-12. Review status: criteria provided, single submitter. Criteria: ACMG Guidelines, 2015. Collection method: clinical testing. Allele origin: germline. Affected: yes.

Department of Pathology and Laboratory Medicine, Sinai Health System
Classification: Uncertain significance for ALS2-related motor neuron disease. Last evaluated: 2021-10-18. Review status: criteria provided, single submitter. Criteria: ACMG Guidelines, 2015. Collection method: research. Allele origin: germline.

Illumina Laboratory Services, Illumina
Classification: Uncertain significance for Amyotrophic lateral sclerosis type 2. Last evaluated: 2018-01-12. Review status: criteria provided, single submitter. Criteria: ICSL Variant Classification Criteria 13 December 2019. Collection method: clinical testing. Allele origin: germline.

Illumina Laboratory Services, Illumina
Classification: Uncertain significance for ALS2-Related Disorders. Last evaluated: 2018-01-12. Review status: criteria provided, single submitter. Criteria: ICSL Variant Classification Criteria 13 December 2019. Collection method: clinical testing. Allele origin: germline.

Clinical Genetics DNA and cytogenetics Diagnostics Lab, Erasmus MC, Erasmus Medical Center
Classification: Uncertain significance. Review status: no assertion criteria provided. Collection method: clinical testing. Allele origin: germline. Affected: yes. Study: VKGL Data-share Consensus. Not counted in ClinVar's aggregate classification.

Dr. Peter K. Rogan Lab, Western University
No classification provided (evidence only). Condition: Clear cell carcinoma of kidney. Review status: no classification provided. Collection method: in vitro. Allele origin: not applicable. Functional consequence: retained intron. Not counted in ClinVar's aggregate classification.

Dr. Peter K. Rogan Lab, Western University
No classification provided (evidence only). Condition: Familial pancreatic carcinoma. Review status: no classification provided. Collection method: in vitro. Allele origin: not applicable. Functional consequence: retained intron. Not counted in ClinVar's aggregate classification.

Genome Diagnostics Laboratory, Amsterdam University Medical Center
Classification: Uncertain significance. Review status: no assertion criteria provided. Collection method: clinical testing. Allele origin: germline. Affected: yes. Study: VKGL Data-share Consensus. Not counted in ClinVar's aggregate classification.

Literature cited by the submitters: PubMed 17576681 (cited by Labcorp Genetics (formerly Invitae), Labcorp); PubMed 9536098 (cited by Labcorp Genetics (formerly Invitae), Labcorp).